The following is an entry in ClinVar:

ClinVar aggregate classification (germline): Uncertain significance (1 of 4 stars; one submission).

Allele frequency attached by ClinVar (database versions not stated): gnomAD 0.00002.
gnomAD v4.1: 11 of 1,613,764 alleles (0.00068%); highest among the groups gnomAD compares: Non-Finnish European, 0.00076%; no homozygotes.

Submission:

Labcorp Genetics (formerly Invitae), Labcorp
Classification: Uncertain significance. Last evaluated: 2022-01-18. Review status: criteria provided, single submitter. Criteria: Invitae Variant Classification Sherloc (09022015). Collection method: clinical testing. Allele origin: germline.
Comment: This sequence change replaces isoleucine, which is neutral and non-polar, with phenylalanine, which is neutral and non-polar, at codon 2883 of the FRAS1 protein (p.Ile2883Phe). This variant is present in population databases (no rsID available, gnomAD 0.002%). This variant has not been reported in the literature in individuals affected with FRAS1-related conditions. Algorithms developed to predict the effect of missense changes on protein structure and function are either unavailable or do not agree on the potential impact of this missense change (SIFT: "Deleterious"; PolyPhen-2: "Benign"; Align-GVGD: "Class C0"). In summary, the available evidence is currently insufficient to determine the role of this variant in disease. Therefore, it has been classified as a Variant of Uncertain Significance.

NM_025074.7(FRAS1):c.8647A>T (p.Ile2883Phe)

Gene: FRAS1 (Fraser extracellular matrix complex subunit 1; plus strand). Cytogenetic location: 4q21.21.
Variant type: single nucleotide variant.
Coding change: c.8647A>T on transcript NM_025074.7 (MANE Select); coding-DNA position 8647, A replaced by T.
Protein change: p.Ile2883Phe; replaces isoleucine 2883 with phenylalanine.
Molecular consequence: missense variant.
Genome position (GRCh38, 1-based): chr4:78,482,430, A>T. VCF-style: chr4-78482430-A-T. GRCh37 (hg19) VCF-style: chr4-79403584-A-T.
Other names: short protein forms I2883F.
Identifiers: ClinVar variation 2148922 (VCV002148922.1), dbSNP rs1018181427, ClinGen allele CA99956055.
Genomic context (GRCh38, chr4:78,482,430, plus strand): 5'-CTTTGGTTTCTCTTCTAGTATTGCACCTTGACTATCTTGGATGACACTCAGTATCCGGTA[A>T]TTGAAGGACTGGAGACATTTGTGGTTTTCCTCAGCTCAGCACAAGGAGCCGAACTGACCA-3'
Protein context (NP_079350.5, residues 2873-2893): TILDDTQYPV[Ile2883Phe]EGLETFVVFL